The following is an entry in ClinVar:

NM_002221.4(ITPKB):c.1222T>G (p.Ser408Ala)

Gene: ITPKB (inositol-trisphosphate 3-kinase B; minus strand). Cytogenetic location: 1q42.12.
Variant type: single nucleotide variant.
Coding change: c.1222T>G on transcript NM_002221.4 (MANE Select); coding-DNA position 1222, T replaced by G.
Protein change: p.Ser408Ala; replaces serine 408 with alanine.
Molecular consequence: missense variant.
Genome position (GRCh38, 1-based): chr1:226,736,237, A>C on the plus strand (T>G on the coding strand, the complement: ITPKB is on the minus strand). VCF-style: chr1-226736237-A-C. GRCh37 (hg19) VCF-style: chr1-226923938-A-C.
Other names: p.Ser408Ala; c.1222T>G (NM_002221.3); c.1222T>G, p.Ser408Ala (NM_001388404.1); short protein forms S408A.
Identifiers: ClinVar variation 1705899 (VCV001705899.9), dbSNP rs6667260, ClinGen allele CA1423994.

ClinVar aggregate classification (germline): Benign. Review status: criteria provided, multiple submitters, no conflicts (2 of 4 stars). 7 submissions from 7 submitters: Benign (5). 2 of the submissions do not count toward it. Last evaluated 2026-01-21.

Conditions:
ITPKB-related disorder. Also called: ITPKB-related condition.
Myeloproliferative neoplasm, unclassifiable. Identifiers: Orphanet 86830, MedGen C1333046, MONDO:0019452.

Allele frequency attached by ClinVar (database versions not stated): ESP Exome Variant Server 0.51424; gnomAD 0.52255; ExAC 0.53055; TOPMed 0.54477; 1000 Genomes Project 0.61042; 1000 Genomes Project 30x 0.61196.
gnomAD v4.1: 751,566 of 1,544,924 alleles (49%); highest among the groups gnomAD compares: Admixed American, 68%; 186,764 homozygotes.

Submissions (7):

Women's Health and Genetics/Laboratory Corporation of America, LabCorp
Classification: Benign. Last evaluated: 2026-01-21. Review status: criteria provided, single submitter. Criteria: LabCorp Variant Classification Summary - May 2015. Collection method: clinical testing. Allele origin: germline.

Center for Genomic Medicine, Rigshospitalet, Copenhagen University Hospital
Classification: Benign. Last evaluated: 2025-03-04. Review status: criteria provided, single submitter. Criteria: ACMG Guidelines, 2015. Collection method: clinical testing. Allele origin: germline.

Laboratory of Genetics, Children's Clinical University Hospital Latvia
Classification: Benign. Last evaluated: 2025-02-16. Review status: criteria provided, single submitter. Criteria: ACMG Guidelines, 2015. Collection method: clinical testing. Allele origin: germline. Affected: yes.

Unidad de Genómica Garrahan, Hospital de Pediatría Garrahan
Classification: Benign. Last evaluated: 2024-01-24. Review status: criteria provided, single submitter. Criteria: ACMG Guidelines, 2015. Collection method: clinical testing. Allele origin: germline. Affected: no. Observed: 74 variant alleles.
Comment: This variant is classified as Benign based on local population frequency. This variant was detected in 78% of patients studied by a panel of primary immunodeficiencies. Number of patients: 74. Only high quality variants are reported.

Mayo Clinic Laboratories, Mayo Clinic
Classification: Benign. Last evaluated: 2022-09-06. Review status: criteria provided, single submitter. Criteria: ACMG Guidelines, 2015. Collection method: clinical testing. Allele origin: germline. Observed: 4 variant alleles.

Department of Pathology and Laboratory Medicine, Sinai Health System
Classification: Uncertain significance for ITPKB-related disorder. Last evaluated: 2023-04-17. Review status: flagged submission. Criteria: ACMG Guidelines, 2015. Collection method: research. Allele origin: germline. Not counted in ClinVar's aggregate classification.
ClinVar note: Reason: Outlier claim with insufficient supporting evidence

Dept. of Cytogenetics, ICMR- National Institute of Immunohaematology
Classification: Likely pathogenic for Myeloproliferative neoplasm, unclassifiable. Last evaluated: 2022-08-25. Review status: flagged submission. Criteria: Oncogenicity SOP (ClinGen, CGC, VICC guidelines) 2022. Collection method: clinical testing. Allele origin: somatic. Affected: yes. Observed: 22 variant alleles. Not counted in ClinVar's aggregate classification.
ClinVar note: Reason: Outlier claim with insufficient supporting evidence

Literature cited by the submitters: PubMed 38589703 (cited by Mayo Clinic Laboratories, Mayo Clinic); PubMed 40021601 (cited by Mayo Clinic Laboratories, Mayo Clinic).